The following is an entry in ClinVar:

NM_001366385.1(CARD14):c.1829G>C (p.Arg610Pro)

Gene: CARD14 (caspase recruitment domain family member 14; plus strand). Cytogenetic location: 17q25.3.
Variant type: single nucleotide variant.
Coding change: c.1829G>C on transcript NM_001366385.1 (MANE Select); coding-DNA position 1829, G replaced by C.
Protein change: p.Arg610Pro; replaces arginine 610 with proline.
Molecular consequence: missense variant. On other transcripts: non-coding transcript variant (1).
Genome position (GRCh38, 1-based): chr17:80,198,569, G>C. VCF-style: chr17-80198569-G-C. GRCh37 (hg19) VCF-style: chr17-78172368-G-C.
Other names: c.1829G>C, p.Arg610Pro (NM_001257970.1, NM_024110.4); c.1118G>C, p.Arg373Pro (NM_052819.3); short protein forms R373P, R610P.
Identifiers: ClinVar variation 1525386 (VCV001525386.6), dbSNP rs372001018, ClinGen allele CA401351399.
Genomic context (GRCh38, chr17:80,198,569, plus strand): 5'-TCACGGGCATCTTCATCCACCGGGTCACCCCGGGCTCGGCGGCGGACCAGATGGCCTTGC[G>C]CCCGGGCACCCAGATTGTGATGGTGAGCCGTGCGAGGCCCCTCCTGTCCCCCGGGCTCCT-3'
Protein context (NP_001353314.1, residues 600-620): PGSAADQMAL[Arg610Pro]PGTQIVMVDY

ClinVar aggregate classification (germline): Uncertain significance (1 of 4 stars; one submission).

Conditions:
Pityriasis rubra pilaris (PRP). Also called: Pityriasis rubra pilaris--familial type. Identifiers: Orphanet 2897, MedGen C0032027, MONDO:0100017, OMIM 173200, MONDO:0008251.
Psoriasis 2. Identifiers: MedGen C1864497, MONDO:0011269, OMIM 602723.

Submission:

Labcorp Genetics (formerly Invitae), Labcorp
Classification: Uncertain significance for Pityriasis rubra pilaris; Psoriasis 2. Last evaluated: 2023-10-13. Review status: criteria provided, single submitter. Criteria: Invitae Variant Classification Sherloc (09022015). Collection method: clinical testing. Allele origin: germline.
Comment: This sequence change replaces arginine, which is basic and polar, with proline, which is neutral and non-polar, at codon 610 of the CARD14 protein (p.Arg610Pro). This variant is not present in population databases (gnomAD no frequency). This variant has not been reported in the literature in individuals affected with CARD14-related conditions. ClinVar contains an entry for this variant (Variation ID: 1525386). Advanced modeling of protein sequence and biophysical properties (such as structural, functional, and spatial information, amino acid conservation, physicochemical variation, residue mobility, and thermodynamic stability) performed at Invitae indicates that this missense variant is expected to disrupt CARD14 protein function. In summary, the available evidence is currently insufficient to determine the role of this variant in disease. Therefore, it has been classified as a Variant of Uncertain Significance.